The following is an entry in ClinVar:

NM_000318.3(PEX2):c.209A>G (p.Tyr70Cys)

Gene: PEX2 (peroxisomal biogenesis factor 2; minus strand). Cytogenetic location: 8q21.13.
Variant type: single nucleotide variant.
Coding change: c.209A>G on transcript NM_000318.3 (MANE Select); coding-DNA position 209, A replaced by G.
Protein change: p.Tyr70Cys; replaces tyrosine 70 with cysteine.
Molecular consequence: missense variant.
Genome position (GRCh38, 1-based): chr8:76,983,970, T>C on the plus strand (A>G on the coding strand, the complement: PEX2 is on the minus strand). VCF-style: chr8-76983970-T-C. GRCh37 (hg19) VCF-style: chr8-77896206-T-C.
Other names: p.Tyr70Cys; c.209A>G, p.Tyr70Cys (NM_001079867.2, NM_001172086.2, NM_001172087.2); short protein forms Y70C.
Identifiers: ClinVar variation 282347 (VCV000282347.28), dbSNP rs35689779, ClinGen allele CA4788753.

ClinVar aggregate classification (germline): Conflicting classifications of pathogenicity. Review status: criteria provided, conflicting classifications (1 of 4 stars). 12 submissions from 11 submitters: Uncertain significance (7); Benign (1); Likely benign (2). 2 of the submissions do not count toward it. Last evaluated 2026-02-02.

Conditions:
Peroxisome biogenesis disorder 5A (Zellweger) (PBD5A). Identifiers: Orphanet 912, MedGen C3553940, MONDO:0013932, OMIM 614866.
Peroxisome biogenesis disorder 5B (PBD5B). Identifiers: Orphanet 44, MedGen C3542026, MONDO:0013933, OMIM 614867.

Allele frequency attached by ClinVar (database versions not stated): gnomAD exomes 0.00021 and 0.00060; ExAC 0.00071; 1000 Genomes Project 30x 0.00172; 1000 Genomes Project 0.00180; ESP Exome Variant Server 0.00223; gnomAD 0.00225 and 0.00239; TOPMed 0.00241.
gnomAD v4.1: 662 of 1,614,050 alleles (0.041%); highest among the groups gnomAD compares: African/African-American, 0.81%; 1 homozygote.

Submissions (12):

Labcorp Genetics (formerly Invitae), Labcorp
Classification: Likely benign for Peroxisome biogenesis disorder 5A (Zellweger). Last evaluated: 2026-02-02. Review status: criteria provided, single submitter. Criteria: Invitae Variant Classification Sherloc (09022015). Collection method: clinical testing. Allele origin: germline.

Blueprint Genetics
Classification: Likely benign. Last evaluated: 2024-08-26. Review status: criteria provided, single submitter. Criteria: ACMG Guidelines, 2015. Collection method: clinical testing. Allele origin: germline.

Mayo Clinic Laboratories, Mayo Clinic
Classification: Uncertain significance. Last evaluated: 2022-12-15. Review status: criteria provided, single submitter. Criteria: ACMG Guidelines, 2015. Collection method: clinical testing. Allele origin: germline. Observed: 2 variant alleles.

GeneDx
Classification: Uncertain significance. Last evaluated: 2022-07-27. Review status: criteria provided, single submitter. Criteria: GeneDx Variant Classification Process June 2021. Collection method: clinical testing. Allele origin: germline. Affected: yes.
Comment: In silico analysis supports that this missense variant has a deleterious effect on protein structure/function; Has not been previously published as pathogenic or benign to our knowledge

Genome-Nilou Lab
Classification: Uncertain significance for Peroxisome biogenesis disorder 5A (Zellweger). Last evaluated: 2021-07-14. Review status: criteria provided, single submitter. Criteria: ACMG Guidelines, 2015. Collection method: clinical testing. Allele origin: germline. Affected: no.

Genome-Nilou Lab
Classification: Uncertain significance for Peroxisome biogenesis disorder 5B. Last evaluated: 2021-07-14. Review status: criteria provided, single submitter. Criteria: ACMG Guidelines, 2015. Collection method: clinical testing. Allele origin: germline. Affected: no.

Pars Genome Lab
Classification: Uncertain significance for Peroxisome biogenesis disorder 5A (Zellweger). Last evaluated: 2021-05-18. Review status: criteria provided, single submitter. Criteria: ACMG Guidelines, 2015. Collection method: clinical testing. Allele origin: germline. Affected: no.

Baylor Genetics
Classification: Uncertain significance for Peroxisome biogenesis disorder 5A (Zellweger). Last evaluated: 2020-06-03. Review status: criteria provided, single submitter. Criteria: ACMG Guidelines, 2015. Collection method: clinical testing. Allele origin: unknown. Affected: yes.
Comment: This variant was determined to be of uncertain significance according to ACMG Guidelines, 2015 [PMID:25741868].

Center for Pediatric Genomic Medicine, Children's Mercy Hospital and Clinics
Classification: Uncertain significance. Last evaluated: 2017-07-19. Review status: criteria provided, single submitter. Criteria: ACMG Guidelines, 2015. Collection method: clinical testing. Allele origin: germline.

Eurofins Ntd Llc (ga)
Classification: Benign. Last evaluated: 2015-08-31. Review status: criteria provided, single submitter. Criteria: EGL Classification Definitions 2015. Collection method: clinical testing. Allele origin: germline. Observed: 1 variant allele, 1 heterozygote.

Clinical Genetics DNA and cytogenetics Diagnostics Lab, Erasmus MC, Erasmus Medical Center
Classification: Uncertain significance. Review status: no assertion criteria provided. Collection method: clinical testing. Allele origin: germline. Affected: yes. Study: VKGL Data-share Consensus. Not counted in ClinVar's aggregate classification.

Joint Genome Diagnostic Labs from Nijmegen and Maastricht, Radboudumc and MUMC+
Classification: Uncertain significance. Review status: no assertion criteria provided. Collection method: clinical testing. Allele origin: germline. Affected: yes. Study: VKGL Data-share Consensus. Not counted in ClinVar's aggregate classification.